The following is an entry in ClinVar:

ClinVar aggregate classification (germline): Uncertain significance (1 of 4 stars; one submission).

Allele frequency attached by ClinVar (database versions not stated): gnomAD exomes below 0.00001; TOPMed 0.00001.
gnomAD v4.1: 7 of 1,523,452 alleles (0.00046%); highest among the groups gnomAD compares: South Asian, 0.0012%; no homozygotes.

Submission:

Labcorp Genetics (formerly Invitae), Labcorp
Classification: Uncertain significance. Last evaluated: 2024-01-15. Review status: criteria provided, single submitter. Criteria: Invitae Variant Classification Sherloc (09022015). Collection method: clinical testing. Allele origin: germline.
Comment: This sequence change replaces aspartic acid, which is acidic and polar, with tyrosine, which is neutral and polar, at codon 64 of the BLOC1S3 protein (p.Asp64Tyr). This variant is not present in population databases (gnomAD no frequency). This variant has not been reported in the literature in individuals affected with BLOC1S3-related conditions. An algorithm developed to predict the effect of missense changes on protein structure and function (PolyPhen-2) suggests that this variant is likely to be disruptive. In summary, the available evidence is currently insufficient to determine the role of this variant in disease. Therefore, it has been classified as a Variant of Uncertain Significance.

NM_212550.5(BLOC1S3):c.190G>T (p.Asp64Tyr)

Gene: BLOC1S3 (biogenesis of lysosomal organelles complex 1 subunit 3; plus strand). Cytogenetic location: 19q13.32.
Variant type: single nucleotide variant.
Coding change: c.190G>T on transcript NM_212550.5 (MANE Select); coding-DNA position 190, G replaced by T.
Protein change: p.Asp64Tyr; replaces aspartic acid 64 with tyrosine.
Molecular consequence: missense variant.
Genome position (GRCh38, 1-based): chr19:45,179,486, G>T. VCF-style: chr19-45179486-G-T. GRCh37 (hg19) VCF-style: chr19-45682744-G-T.
Other names: short protein forms D64Y.
Identifiers: ClinVar variation 3010718 (VCV003010718.2), dbSNP rs1478902659, ClinGen allele CA406344309.